The following is an entry in ClinVar:

ClinVar aggregate classification (germline): Pathogenic/Likely pathogenic. Review status: criteria provided, multiple submitters, no conflicts (2 of 4 stars). 2 submissions from 2 submitters: Pathogenic (1); Likely pathogenic (1). Last evaluated 2023-10-01.

Conditions:
Retinal dystrophy. Also called: Inherited retinal dystrophy. Identifiers: Orphanet 71862, MedGen C0854723, MeSH D058499, MONDO:0019118, HP:0000556.

Allele frequency attached by ClinVar (database versions not stated): gnomAD exomes 0.00001.
gnomAD v4.1: 3 of 1,614,068 alleles (0.00019%); highest among the groups gnomAD compares: East Asian, 0.0067%; no homozygotes.

Submissions (2):

Dept Of Ophthalmology, Nagoya University
Classification: Likely pathogenic for Retinal dystrophy. Last evaluated: 2023-10-01. Review status: criteria provided, single submitter. Criteria: Submitter's publication. Collection method: research. Allele origin: germline. Affected: yes.

Labcorp Genetics (formerly Invitae), Labcorp
Classification: Pathogenic. Last evaluated: 2021-12-23. Review status: criteria provided, single submitter. Criteria: Invitae Variant Classification Sherloc (09022015). Collection method: clinical testing. Allele origin: germline.
Comment: This premature translational stop signal has been observed in individual(s) with clinical features of autosomal recessive retinitis pigmentosa (PMID: 31047384; Invitae). In at least one individual the data is consistent with being in trans (on the opposite chromosome) from a pathogenic variant. ClinVar contains an entry for this variant (Variation ID: 1073373). This variant disrupts the C-terminus of the RP1 protein. Many variants that disrupt this region have been reported in individuals with either autosomal dominant or autosomal recessive retinitis pigmentosa (PMID: 11527933, 19933189, 29425069, 30027431). Therefore, variants that disrupt this region are expected to be disease-causing. For these reasons, this variant has been classified as Pathogenic. This variant is not present in population databases (gnomAD no frequency). This sequence change creates a premature translational stop signal (p.Trp349*) in the RP1 gene. While this is not anticipated to result in nonsense mediated decay, it is expected to disrupt the last 1808 amino acid(s) of the RP1 protein.

Literature cited by the submitters: PubMed 31047384 (cited by Labcorp Genetics (formerly Invitae), Labcorp); PubMed 11527933 (cited by Labcorp Genetics (formerly Invitae), Labcorp); PubMed 19933189 (cited by Labcorp Genetics (formerly Invitae), Labcorp); PubMed 29425069 (cited by Labcorp Genetics (formerly Invitae), Labcorp); PubMed 30027431 (cited by Labcorp Genetics (formerly Invitae), Labcorp).

NM_006269.2(RP1):c.1047G>A (p.Trp349Ter)

Gene: RP1 (RP1 axonemal microtubule associated; plus strand). Cytogenetic location: 8q12.1.
Variant type: single nucleotide variant.
Coding change: c.1047G>A on transcript NM_006269.2 (MANE Select); coding-DNA position 1047, G replaced by A.
Protein change: p.Trp349Ter; replaces tryptophan 349 with a stop codon.
Molecular consequence: nonsense. On other transcripts: intron variant (1).
Genome position (GRCh38, 1-based): chr8:54,624,929, G>A. VCF-style: chr8-54624929-G-A. GRCh37 (hg19) VCF-style: chr8-55537489-G-A.
Other names: c.787+2641G>A (NM_001375654.1); short protein forms W349*.
Identifiers: ClinVar variation 1073373 (VCV001073373.10), dbSNP rs1805986090, ClinGen allele CA370989175.